The following is an entry in ClinVar:

ClinVar aggregate classification (germline): Uncertain significance (1 of 4 stars; one submission).

Conditions:
Developmental and epileptic encephalopathy. Identifiers: MedGen C5779964, MONDO:0100620.

Submission:

Labcorp Genetics (formerly Invitae), Labcorp
Classification: Uncertain significance for Early-infantile DEE. Last evaluated: 2022-03-10. Review status: criteria provided, single submitter. Criteria: Invitae Variant Classification Sherloc (09022015). Collection method: clinical testing. Allele origin: germline.
Comment: This variant results in a copy number gain of the genomic region encompassing exon(s) 6-12 of the ST3GAL3 gene. This region includes the termination codon of the gene. This copy number gain extends beyond the assayed region for this gene and therefore may encompass additional genes. As the precise location of this event is unknown, it may be in tandem or it may be located elsewhere in the genome. This variant has not been reported in the literature in individuals affected with ST3GAL3-related conditions. In summary, the available evidence is currently insufficient to determine the role of this variant in disease. Therefore, it has been classified as a Variant of Uncertain Significance.

NC_000001.10:g.(?_44360035)_(44482805_?)dup

Genes: ARTN (artemin; plus strand), ATP6V0B (ATPase H+ transporting V0 subunit b; plus strand), B4GALT2 (beta-1,4-galactosyltransferase 2; plus strand), CCDC24 (coiled-coil domain containing 24; plus strand), DPH2 (diphthamide biosynthesis 2; plus strand) and 3 more. Cytogenetic location: 1p34.1.
Variant type: Duplication.
Identifiers: ClinVar variation 2425558 (VCV002425558.3).